The following is an entry in ClinVar:

NM_015102.5(NPHP4):c.3467T>A (p.Phe1156Tyr)

Gene: NPHP4 (nephrocystin 4; minus strand). Cytogenetic location: 1p36.31.
Variant type: single nucleotide variant.
Coding change: c.3467T>A on transcript NM_015102.5 (MANE Select); coding-DNA position 3467, T replaced by A.
Protein change: p.Phe1156Tyr; replaces phenylalanine 1156 with tyrosine.
Molecular consequence: missense variant. On other transcripts: non-coding transcript variant (1).
Genome position (GRCh38, 1-based): chr1:5,867,745, A>T on the plus strand (T>A on the coding strand, the complement: NPHP4 is on the minus strand). VCF-style: chr1-5867745-A-T. GRCh37 (hg19) VCF-style: chr1-5927805-A-T.
Other names: c.1928T>A, p.Phe643Tyr (NM_001291593.2); c.1931T>A, p.Phe644Tyr (NM_001291594.2); short protein forms F1156Y, F644Y, F643Y.
Identifiers: ClinVar variation 1949861 (VCV001949861.5), dbSNP rs756678088, ClinGen allele CA553613.

ClinVar aggregate classification (germline): Uncertain significance (1 of 4 stars; one submission).

Conditions:
Nephronophthisis. Also called: Juvenile Nephronophthisis. Identifiers: Orphanet 655, MedGen C0687120, MONDO:0019005, HP:0000090.

Allele frequency attached by ClinVar (database versions not stated): gnomAD exomes below 0.00001; TOPMed below 0.00001; ExAC 0.00001.
gnomAD v4.1: 5 of 1,609,762 alleles (0.00031%); highest among the groups gnomAD compares: Non-Finnish European, 0.00042%; no homozygotes.

Submission:

Labcorp Genetics (formerly Invitae), Labcorp
Classification: Uncertain significance for Nephronophthisis. Last evaluated: 2022-04-15. Review status: criteria provided, single submitter. Criteria: Invitae Variant Classification Sherloc (09022015). Collection method: clinical testing. Allele origin: germline.
Comment: Algorithms developed to predict the effect of missense changes on protein structure and function are either unavailable or do not agree on the potential impact of this missense change (SIFT: "Deleterious"; PolyPhen-2: "Benign"; Align-GVGD: "Class C0"). This variant has not been reported in the literature in individuals affected with NPHP4-related conditions. This variant is present in population databases (rs756678088, gnomAD 0.0009%). This sequence change replaces phenylalanine, which is neutral and non-polar, with tyrosine, which is neutral and polar, at codon 1156 of the NPHP4 protein (p.Phe1156Tyr). In summary, the available evidence is currently insufficient to determine the role of this variant in disease. Therefore, it has been classified as a Variant of Uncertain Significance.